The following is an entry in ClinVar:

NM_004333.6(BRAF):c.1129G>A (p.Val377Ile)

Genes: BRAF (B-Raf proto-oncogene, serine/threonine kinase; minus strand), LOC126860202 (BRD4-independent group 4 enhancer GRCh37_chr7:140493623-140494822; plus strand). Cytogenetic location: 7q34.
Variant type: single nucleotide variant.
Coding change: c.1129G>A on transcript NM_004333.6 (MANE Select); coding-DNA position 1129, G replaced by A.
Protein change: p.Val377Ile; replaces valine 377 with isoleucine.
Molecular consequence: missense variant.
Genome position (GRCh38, 1-based): chr7:140,794,319, C>T on the plus strand (G>A on the coding strand, the complement: BRAF is on the minus strand). VCF-style: chr7-140794319-C-T. GRCh37 (hg19) VCF-style: chr7-140494119-C-T.
Other names: c.1129G>A, p.Val377Ile (NM_001354609.2, NM_001374244.1, NM_001374258.1 and 4 more transcripts); c.1138G>A, p.Val380Ile (NM_001378467.1); c.1027G>A, p.Val343Ile (NM_001378470.1); c.973G>A, p.Val325Ile (NM_001378472.1, NM_001378473.1); c.865G>A, p.Val289Ile (NM_001378475.1); short protein forms V380I, V325I, V377I, V289I, V343I.
Identifiers: ClinVar variation 1727744 (VCV001727744.2), dbSNP rs781402121, ClinGen allele CA4516817.

ClinVar aggregate classification (germline): Uncertain significance (1 of 4 stars; one submission).

Conditions:
Cardiovascular phenotype. Identifiers: MedGen CN230736.

Allele frequency attached by ClinVar (database versions not stated): ExAC 0.00001.
gnomAD v4.1: 23 of 1,613,852 alleles (0.0014%); highest among the groups gnomAD compares: Non-Finnish European, 0.0019%; no homozygotes.

Submission:

Ambry Genetics
Classification: Uncertain significance for Cardiovascular phenotype. Last evaluated: 2022-07-11. Review status: criteria provided, single submitter. Criteria: Ambry Variant Classification Scheme 2023. Collection method: clinical testing. Allele origin: germline.
Comment: The p.V377I variant (also known as c.1129G>A), located in coding exon 8 of the BRAF gene, results from a G to A substitution at nucleotide position 1129. The valine at codon 377 is replaced by isoleucine, an amino acid with highly similar properties. This amino acid position is conserved. In addition, the in silico prediction for this alteration is inconclusive. Since supporting evidence is limited at this time, the clinical significance of this alteration remains unclear.